The following is an entry in ClinVar:

ClinVar aggregate classification (germline): Likely benign (1 of 4 stars; one submission).

Conditions:
Familial cancer of breast. Also called: hereditary breast carcinoma; Hereditary breast cancer; BREAST CANCER, FAMILIAL. Identifiers: Orphanet 227535, MedGen C0346153, MONDO:0016419, OMIM 114480. Disease mechanism: loss of function.

Submission:

Myriad Genetics, Inc.
Classification: Likely benign for Familial cancer of breast. Last evaluated: 2024-07-29. Review status: criteria provided, single submitter. Criteria: Myriad Autosomal Dominant, Autosomal Recessive and X-Linked Classification Criteria (2023). Collection method: clinical testing. Allele origin: unknown.
Comment: This variant is considered likely benign. This variant is intronic and is not expected to impact mRNA splicing.

NM_000465.4(BARD1):c.2002-18G>C

Gene: BARD1 (BRCA1 associated RING domain 1; minus strand). Cytogenetic location: 2q35.
Variant type: single nucleotide variant.
Coding change: c.2002-18G>C on transcript NM_000465.4 (MANE Select); 18 bases into the intron before coding-DNA position 2002, G replaced by C.
Molecular consequence: intron variant.
Genome position (GRCh38, 1-based): chr2:214,729,026, C>G on the plus strand (G>C on the coding strand, the complement: BARD1 is on the minus strand). VCF-style: chr2-214729026-C-G. GRCh37 (hg19) VCF-style: chr2-215593750-C-G.
Other names: c.592-18G>C (NM_001282548.2); c.1945-18G>C (NM_001282543.2); c.649-18G>C (NM_001282545.2); c.463-18G>C (NM_001282549.2).
Identifiers: ClinVar variation 3378590 (VCV003378590.1).